The following is an entry in ClinVar:

ClinVar aggregate classification (germline): Pathogenic (1 of 4 stars; one submission).

Submission:

GeneDx
Classification: Pathogenic. Last evaluated: 2018-10-22. Review status: criteria provided, single submitter. Criteria: GeneDx Variant Classification (06012015). Collection method: clinical testing. Allele origin: germline. Affected: yes.
Comment: The c.203_204delAA variant in the WAC gene has not been published as a pathogenic variant, nor has it been reported as a benign variant to our knowledge. This variant is not observed in large population cohorts (Lek et al., 2016). The c.203_204delAA variant causes a frameshift starting with codon Lysine 68, changes this amino acid to an Isoleucine residue, and creates a premature Stop codon at position 3 of the new reading frame, denoted p.Lys68IlefsX3. This variant is predicted to cause loss of normal protein function either through protein truncation or nonsense-mediated mRNA decay. We interpret c.203_204delAA as a pathogenic variant.

NM_016628.5(WAC):c.203_204del (p.Lys68fs)

Gene: WAC (WW domain containing adaptor with coiled-coil; plus strand). Cytogenetic location: 10p12.1.
Variant type: Deletion.
Coding change: c.203_204del on transcript NM_016628.5 (MANE Select); coding-DNA positions 203 to 204, 2 bases deleted (AA; older notation c.203_204delAA).
Protein change: p.Lys68fs; shifts the reading frame from lysine 68.
Molecular consequence: frameshift variant.
Genome position (GRCh38, 1-based): chr10:28,535,686-28,535,687, AA deleted; deleting any 2 consecutive bases within chr10:28,535,685-28,535,687 gives the same sequence; the c. name uses the placement nearest the transcript's 3' end. VCF-style (leftmost placement, unchanged base first): chr10-28535684-CAA-C. GRCh37 (hg19) VCF-style: chr10-28824613-CAA-C.
Other names: c.68_69del, p.Lys23fs (NM_100264.3); c.203_204del, p.Lys68fs (NM_100486.4); short protein forms K23fs, K68fs.
Identifiers: ClinVar variation 817273 (VCV000817273.1), dbSNP rs1589115392, ClinGen allele CA915945869.